The following is an entry in ClinVar:

NM_021008.4(DEAF1):c.1151C>A (p.Pro384Gln)

Gene: DEAF1 (DEAF1 transcription factor; minus strand). Cytogenetic location: 11p15.5.
Variant type: single nucleotide variant.
Coding change: c.1151C>A on transcript NM_021008.4 (MANE Select); coding-DNA position 1151, C replaced by A.
Protein change: p.Pro384Gln; replaces proline 384 with glutamine.
Molecular consequence: missense variant.
Genome position (GRCh38, 1-based): chr11:678,798, G>T on the plus strand (C>A on the coding strand, the complement: DEAF1 is on the minus strand). VCF-style: chr11-678798-G-T. GRCh37 (hg19) VCF-style: chr11-678798-G-T.
Other names: c.884C>A, p.Pro295Gln (NM_001293634.2); c.425C>A, p.Pro142Gln (NM_001367390.1); short protein forms P142Q, P295Q, P384Q.
Identifiers: ClinVar variation 3893500 (VCV003893500.1).

ClinVar aggregate classification (germline): Uncertain significance (1 of 4 stars; one submission).

Submission:

GeneDx
Classification: Uncertain significance. Last evaluated: 2024-10-24. Review status: criteria provided, single submitter. Criteria: GeneDx Variant Classification Process June 2021. Collection method: clinical testing. Allele origin: germline. Affected: yes.
Comment: Not observed at significant frequency in large population cohorts (gnomAD); In silico analysis indicates that this missense variant does not alter protein structure/function; Has not been previously published as pathogenic or benign to our knowledge